The following is an entry in ClinVar:

NM_003579.4(RAD54L):c.1496T>G (p.Leu499Arg)

Gene: RAD54L (RAD54 like; plus strand). Cytogenetic location: 1p34.1.
Variant type: single nucleotide variant.
Coding change: c.1496T>G on transcript NM_003579.4 (MANE Select); coding-DNA position 1496, T replaced by G.
Protein change: p.Leu499Arg; replaces leucine 499 with arginine.
Molecular consequence: missense variant.
Genome position (GRCh38, 1-based): chr1:46,273,633, T>G. VCF-style: chr1-46273633-T-G. GRCh37 (hg19) VCF-style: chr1-46739305-T-G.
Other names: c.1496T>G, p.Leu499Arg (NM_001142548.2); c.956T>G, p.Leu319Arg (NM_001370766.1); short protein forms L319R, L499R.
Identifiers: ClinVar variation 3223414 (VCV003223414.1), dbSNP rs2525712904, ClinGen allele CA340181650.

ClinVar aggregate classification (germline): Uncertain significance (1 of 4 stars; one submission).

Submission:

Ambry Genetics
Classification: Uncertain significance. Last evaluated: 2024-02-25. Review status: criteria provided, single submitter. Criteria: Ambry Variant Classification Scheme 2023. Collection method: clinical testing. Allele origin: germline.
Comment: The p.L499R variant (also known as c.1496T>G), located in coding exon 14 of the RAD54L gene, results from a T to G substitution at nucleotide position 1496. The leucine at codon 499 is replaced by arginine, an amino acid with dissimilar properties. This amino acid position is conserved. In addition, this alteration is predicted to be deleterious by in silico analysis. Based on the available evidence, the clinical significance of this alteration remains unclear.